The following is an entry in ClinVar:

NM_001458.5(FLNC):c.3349T>C (p.Cys1117Arg)

Gene: FLNC (filamin C; plus strand). Cytogenetic location: 7q32.1.
Variant type: single nucleotide variant.
Coding change: c.3349T>C on transcript NM_001458.5 (MANE Select); coding-DNA position 3349, T replaced by C.
Protein change: p.Cys1117Arg; replaces cysteine 1117 with arginine.
Molecular consequence: missense variant.
Genome position (GRCh38, 1-based): chr7:128,844,814, T>C. VCF-style: chr7-128844814-T-C. GRCh37 (hg19) VCF-style: chr7-128484868-T-C.
Other names: c.3349T>C, p.Cys1117Arg (NM_001127487.2); short protein forms C1117R.
Identifiers: ClinVar variation 2949291 (VCV002949291.4), dbSNP rs2536637329, ClinGen allele CA369196576.

ClinVar aggregate classification (germline): Uncertain significance. Review status: criteria provided, multiple submitters, no conflicts (2 of 4 stars). 2 submissions from 2 submitters: Uncertain significance (2). Last evaluated 2026-01-19.

Conditions:
Hypertrophic cardiomyopathy 26. Also called: Cardiomyopathy, familial hypertrophic, 26. Identifiers: Orphanet 75249, MedGen C4310749, MONDO:0014883, OMIM 617047.
Myofibrillar myopathy 5. Also called: Filaminopathy (type); FILAMINOPATHY, AUTOSOMAL DOMINANT. Identifiers: Orphanet 171445, MedGen C1836050, MONDO:0012289, OMIM 609524.
Distal myopathy with posterior leg and anterior hand involvement. Also called: WILLIAMS DISTAL MYOPATHY. Identifiers: Orphanet 63273, MedGen C3279722, MONDO:0013550, OMIM 614065.
Cardiovascular phenotype. Identifiers: MedGen CN230736.

Submissions (2):

Labcorp Genetics (formerly Invitae), Labcorp
Classification: Uncertain significance for Distal myopathy with posterior leg and anterior hand involvement; Myofibrillar myopathy 5; Hypertrophic cardiomyopathy 26. Last evaluated: 2026-01-19. Review status: criteria provided, single submitter. Criteria: Invitae Variant Classification Sherloc (09022015). Collection method: clinical testing. Allele origin: germline.
Comment: This sequence change replaces cysteine, which is neutral and slightly polar, with arginine, which is basic and polar, at codon 1117 of the FLNC protein (p.Cys1117Arg). This variant is not present in population databases (gnomAD no frequency). This variant has not been reported in the literature in individuals affected with FLNC-related conditions. ClinVar contains an entry for this variant (Variation ID: 2949291). Invitae Evidence Modeling of protein sequence and biophysical properties (such as structural, functional, and spatial information, amino acid conservation, physicochemical variation, residue mobility, and thermodynamic stability) has been performed for this missense variant. However, the output from this modeling did not meet the statistical confidence thresholds required to predict the impact of this variant on FLNC protein function. In summary, the available evidence is currently insufficient to determine the role of this variant in disease. Therefore, it has been classified as a Variant of Uncertain Significance.

Ambry Genetics
Classification: Uncertain significance for Cardiovascular phenotype. Last evaluated: 2025-01-13. Review status: criteria provided, single submitter. Criteria: Ambry Variant Classification Scheme 2023. Collection method: clinical testing. Allele origin: germline.
Comment: The p.C1117R variant (also known as c.3349T>C), located in coding exon 21 of the FLNC gene, results from a T to C substitution at nucleotide position 3349. The cysteine at codon 1117 is replaced by arginine, an amino acid with highly dissimilar properties. This amino acid position is conserved. In addition, this alteration is predicted to be deleterious by in silico analysis. Based on the available evidence, the clinical significance of this variant remains unclear.